The following is an entry in ClinVar:

ClinVar aggregate classification (germline): Benign. Review status: criteria provided, multiple submitters, no conflicts (2 of 4 stars). 3 submissions from 3 submitters: Benign (2). 1 of the submissions does not count toward it. Last evaluated 2025-09-03.

Conditions:
CELSR2-related disorder. Also called: CELSR2-related condition.

Allele frequency attached by ClinVar (database versions not stated): gnomAD 0.00279 and 0.00306; 1000 Genomes Project 0.00319; 1000 Genomes Project 30x 0.00344; TOPMed 0.00349; ESP Exome Variant Server 0.00354.
gnomAD v4.1: 821 of 1,613,164 alleles (0.051%); highest among the groups gnomAD compares: African/African-American, 0.95%; 3 homozygotes.

Submissions (3):

Labcorp Genetics (formerly Invitae), Labcorp
Classification: Benign. Last evaluated: 2025-09-03. Review status: criteria provided, single submitter. Criteria: Invitae Variant Classification Sherloc (09022015). Collection method: clinical testing. Allele origin: germline.

Breakthrough Genomics
Classification: Benign. Review status: criteria provided, single submitter. Criteria: ACMG Guidelines, 2015. Collection method: not provided. Allele origin: germline. Inheritance: Unknown mechanism. Affected: yes.

PreventionGenetics, part of Exact Sciences
Classification: Benign for CELSR2-related condition. Last evaluated: 2019-02-20. Review status: no assertion criteria provided. Collection method: clinical testing. Allele origin: germline. Not counted in ClinVar's aggregate classification.
Comment: This variant is classified as benign based on ACMG/AMP sequence variant interpretation guidelines (Richards et al. 2015 PMID: 25741868, with internal and published modifications).

NM_001408.3(CELSR2):c.8413G>A (p.Gly2805Arg)

Gene: CELSR2 (cadherin EGF LAG seven-pass G-type receptor 2; plus strand). Cytogenetic location: 1p13.3.
Variant type: single nucleotide variant.
Coding change: c.8413G>A on transcript NM_001408.3 (MANE Select); coding-DNA position 8413, G replaced by A.
Protein change: p.Gly2805Arg; replaces glycine 2805 with arginine.
Molecular consequence: missense variant.
Genome position (GRCh38, 1-based): chr1:109,273,240, G>A. VCF-style: chr1-109273240-G-A. GRCh37 (hg19) VCF-style: chr1-109815862-G-A.
Other names: short protein forms G2805R.
Identifiers: ClinVar variation 740238 (VCV000740238.11), dbSNP rs61799458, ClinGen allele CA988567.